The following is an entry in ClinVar:

ClinVar aggregate classification (germline): Uncertain significance (1 of 4 stars; one submission).

Allele frequency attached by ClinVar (database versions not stated): gnomAD exomes below 0.00001.
gnomAD v4.1: 2 of 1,613,916 alleles (0.00012%); highest among the groups gnomAD compares: Non-Finnish European, 0.000085%; no homozygotes.

Submission:

Labcorp Genetics (formerly Invitae), Labcorp
Classification: Uncertain significance. Last evaluated: 2024-01-29. Review status: criteria provided, single submitter. Criteria: Invitae Variant Classification Sherloc (09022015). Collection method: clinical testing. Allele origin: germline.
Comment: This sequence change replaces proline, which is neutral and non-polar, with leucine, which is neutral and non-polar, at codon 606 of the CFH protein (p.Pro606Leu). This variant is not present in population databases (gnomAD no frequency). This variant has not been reported in the literature in individuals affected with CFH-related conditions. An algorithm developed to predict the effect of missense changes on protein structure and function (PolyPhen-2) suggests that this variant is likely to be disruptive. In summary, the available evidence is currently insufficient to determine the role of this variant in disease. Therefore, it has been classified as a Variant of Uncertain Significance.

NM_000186.4(CFH):c.1817C>T (p.Pro606Leu)

Gene: CFH (complement factor H; plus strand). Cytogenetic location: 1q31.3.
Variant type: single nucleotide variant.
Coding change: c.1817C>T on transcript NM_000186.4 (MANE Select); coding-DNA position 1817, C replaced by T.
Protein change: p.Pro606Leu; replaces proline 606 with leucine.
Molecular consequence: missense variant.
Genome position (GRCh38, 1-based): chr1:196,725,241, C>T. VCF-style: chr1-196725241-C-T. GRCh37 (hg19) VCF-style: chr1-196694371-C-T.
Other names: short protein forms P606L.
Identifiers: ClinVar variation 2694201 (VCV002694201.3), dbSNP rs2529499329, ClinGen allele CA343986344.